The following is an entry in ClinVar:

NM_001114753.3(ENG):c.953C>T (p.Pro318Leu)

Gene: ENG (endoglin; minus strand). Cytogenetic location: 9q34.11.
Variant type: single nucleotide variant.
Coding change: c.953C>T on transcript NM_001114753.3 (MANE Select); coding-DNA position 953, C replaced by T.
Protein change: p.Pro318Leu; replaces proline 318 with leucine.
Molecular consequence: missense variant.
Genome position (GRCh38, 1-based): chr9:127,824,838, G>A on the plus strand (C>T on the coding strand, the complement: ENG is on the minus strand). VCF-style: chr9-127824838-G-A. GRCh37 (hg19) VCF-style: chr9-130587117-G-A.
Other names: p.Pro318Leu; c.953C>T, p.Pro318Leu (NM_000118.4, NM_001406715.1); c.407C>T, p.Pro136Leu (NM_001278138.2); short protein forms P136L, P318L.
Identifiers: ClinVar variation 4537733 (VCV004537733.3).

ClinVar aggregate classification (germline): Uncertain significance. Review status: criteria provided, multiple submitters, no conflicts (2 of 4 stars). 3 submissions from 3 submitters: Uncertain significance (3). Last evaluated 2025-06-11.

gnomAD v4.1: 2 of 1,596,242 alleles (0.00013%); highest among the groups gnomAD compares: Non-Finnish European, 0.00017%; no homozygotes.

Submissions (3):

GeneDx
Classification: Uncertain significance. Last evaluated: 2025-06-11. Review status: criteria provided, single submitter. Criteria: GeneDx Variant Classification Process June 2021. Collection method: clinical testing. Allele origin: germline. Affected: yes.
Comment: Not observed at significant frequency in large population cohorts (gnomAD); In silico analysis supports that this missense variant has a deleterious effect on protein structure/function; Has not been previously published as pathogenic or benign to our knowledge

Mayo Clinic Laboratories, Mayo Clinic
Classification: Uncertain significance. Last evaluated: 2025-05-26. Review status: criteria provided, single submitter. Criteria: ACMG Guidelines, 2015. Collection method: clinical testing. Allele origin: germline. Observed: 1 variant allele.
Comment: PM2_supporting

Blueprint Genetics
Classification: Uncertain significance. Last evaluated: 2020-11-26. Review status: criteria provided, single submitter. Criteria: ACMG Guidelines, 2015. Collection method: clinical testing. Allele origin: germline.